The following is an entry in ClinVar:

NM_004629.2(FANCG):c.1189_1193del (p.Phe397fs)

Gene: FANCG (FA complementation group G; minus strand). Cytogenetic location: 9p13.3.
Variant type: Deletion.
Coding change: c.1189_1193del on transcript NM_004629.2 (MANE Select); coding-DNA positions 1189 to 1193, 5 bases deleted (TTTTT; older notation c.1189_1193delTTTTT).
Protein change: p.Phe397fs; shifts the reading frame from phenylalanine 397.
Molecular consequence: frameshift variant.
Genome position (GRCh38, 1-based): chr9:35,075,705-35,075,709, AAAAA deleted on the plus strand (TTTTT on the coding strand, the reverse complement: FANCG is on the minus strand). VCF-style (leftmost placement, unchanged base first): chr9-35075704-CAAAAA-C. GRCh37 (hg19) VCF-style: chr9-35075701-CAAAAA-C.
Other names: short protein forms F397fs.
Identifiers: ClinVar variation 4815365 (VCV004815365.1).

ClinVar aggregate classification (germline): Likely pathogenic (1 of 4 stars; one submission).

Conditions:
Fanconi anemia complementation group G. Also called: FANCG-Related Fanconi Anemia; Fanconi anemia group G. Identifiers: Orphanet 84, MedGen C3469527, MONDO:0013565, OMIM 614082.

Submission:

Natera, Inc.
Classification: Likely pathogenic for Fanconi anemia group G. Last evaluated: 2026-01-11. Review status: criteria provided, single submitter. Criteria: Natera Variant Classification Schema (03/2026). Collection method: clinical testing. Allele origin: germline.
Comment: The c.1189_1193delTTTTT variant in FANCG is a frameshift variant predicted to shift the reading frame beginning at codon 397 and leads to a stop codon 20 codons downstream. This variant is expected to result in nonsense mediated decay, truncation, or a dysfunctional protein product. This variant is rare in the general population with a frequency below the threshold expected for the associated phenotype(s). Given the available evidence, this variant is classified as Likely Pathogenic.